The following is an entry in ClinVar:

ClinVar aggregate classification (germline): Uncertain significance (1 of 4 stars; one submission).

Submission:

Labcorp Genetics (formerly Invitae), Labcorp
Classification: Uncertain significance. Last evaluated: 2024-07-26. Review status: criteria provided, single submitter. Criteria: Invitae Variant Classification Sherloc (09022015). Collection method: clinical testing. Allele origin: germline.
Comment: This sequence change replaces arginine, which is basic and polar, with lysine, which is basic and polar, at codon 376 of the FAR1 protein (p.Arg376Lys). This variant also falls at the last nucleotide of exon 9, which is part of the consensus splice site for this exon. This variant is not present in population databases (gnomAD no frequency). This variant has not been reported in the literature in individuals affected with FAR1-related conditions. An algorithm developed to predict the effect of missense changes on protein structure and function (PolyPhen-2) suggests that this variant is likely to be tolerated. Variants that disrupt the consensus splice site are a relatively common cause of aberrant splicing (PMID: 17576681, 9536098). Algorithms developed to predict the effect of sequence changes on RNA splicing suggest that this variant may disrupt the consensus splice site. In summary, the available evidence is currently insufficient to determine the role of this variant in disease. Therefore, it has been classified as a Variant of Uncertain Significance.

Literature cited by the submitters: PubMed 17576681; PubMed 9536098.

NM_032228.6(FAR1):c.1127G>A (p.Arg376Lys)

Gene: FAR1 (fatty acyl-CoA reductase 1; plus strand). Cytogenetic location: 11p15.3.
Variant type: single nucleotide variant.
Coding change: c.1127G>A on transcript NM_032228.6 (MANE Select); coding-DNA position 1127, G replaced by A.
Protein change: p.Arg376Lys; replaces arginine 376 with lysine.
Molecular consequence: missense variant.
Genome position (GRCh38, 1-based): chr11:13,714,680, G>A. VCF-style: chr11-13714680-G-A. GRCh37 (hg19) VCF-style: chr11-13736227-G-A.
Other names: short protein forms R376K.
Identifiers: ClinVar variation 3660650 (VCV003660650.2).